The following is an entry in ClinVar:

ClinVar aggregate classification (germline): Pathogenic (1 of 4 stars; one submission).

Submission:

Labcorp Genetics (formerly Invitae), Labcorp
Classification: Pathogenic. Last evaluated: 2024-02-17. Review status: criteria provided, single submitter. Criteria: Invitae Variant Classification Sherloc (09022015). Collection method: clinical testing. Allele origin: germline.
Comment: This sequence change creates a premature translational stop signal (p.Lys67*) in the ANK1 gene. It is expected to result in an absent or disrupted protein product. Loss-of-function variants in ANK1 are known to be pathogenic (PMID: 8640229). This variant is not present in population databases (gnomAD no frequency). This variant has not been reported in the literature in individuals affected with ANK1-related conditions. For these reasons, this variant has been classified as Pathogenic.

Literature cited by the submitters: PubMed 8640229.

NM_000037.4(ANK1):c.199A>T (p.Lys67Ter)

Gene: ANK1 (ankyrin 1; minus strand). Cytogenetic location: 8p11.21.
Variant type: single nucleotide variant.
Coding change: c.199A>T on transcript NM_000037.4 (MANE Select); coding-DNA position 199, A replaced by T.
Protein change: p.Lys67Ter; replaces lysine 67 with a stop codon.
Molecular consequence: nonsense.
Genome position (GRCh38, 1-based): chr8:41,734,000, T>A on the plus strand (A>T on the coding strand, the complement: ANK1 is on the minus strand). VCF-style: chr8-41734000-T-A. GRCh37 (hg19) VCF-style: chr8-41591518-T-A.
Other names: c.298A>T, p.Lys100Ter (NM_001142446.2); c.199A>T, p.Lys67Ter (NM_020475.3, NM_020476.3, NM_020477.3); short protein forms K67*, K100*.
Identifiers: ClinVar variation 3641746 (VCV003641746.2).